The following is an entry in ClinVar:

ClinVar aggregate classification (germline): Pathogenic. Review status: reviewed by expert panel (3 of 4 stars). 15 submissions from 15 submitters: Pathogenic (1). 14 of the submissions do not count toward it. Last evaluated 2025-09-21.

Conditions:
ATM-related cancer predisposition. Also called: ATM-related cancer susceptibility. Identifiers: MedGen CN377759, MONDO:0700270.
Hereditary cancer-predisposing syndrome. Also called: Neoplastic Syndromes, Hereditary; Hereditary neoplastic syndrome; Tumor predisposition; Hereditary Cancer Syndrome. Identifiers: Orphanet 140162, MedGen C0027672, MeSH D009386, MONDO:0015356.
Familial cancer of breast. Also called: hereditary breast carcinoma; Hereditary breast cancer; BREAST CANCER, FAMILIAL. Identifiers: Orphanet 227535, MedGen C0346153, MONDO:0016419, OMIM 114480. Disease mechanism: loss of function.
Ataxia-telangiectasia syndrome (AT). Also called: Ataxia telangiectasia (A-T); Cerebello-oculocutaneous telangiectasia; Immunodeficiency with ataxia telangiectasia; LOUIS-BAR SYNDROME; AT, COMPLEMENTATION GROUP C; ATAXIA-TELANGIECTASIA, FRESNO VARIANT. Identifiers: Orphanet 100, MedGen C0004135, MONDO:0008840, OMIM 208900.

Submissions (15):

ClinGen Hereditary Breast, Ovarian and Pancreatic Cancer Variant Curation Expert Panel, ClinGen
Classification: Pathogenic for ATM-related cancer predisposition. Last evaluated: 2025-09-21. Review status: reviewed by expert panel. Criteria: ClinGen HBOP ACMG Specifications ATM V1.3.0. Collection method: curation. Allele origin: germline. Inheritance: Autosomal dominant inheritance.
Comment: The c.6404_6405insTT (p.Arg2136*) variant in ATM is a nonsense variant predicted to cause a premature stop codon in a biologically-relevant-exon leading to nonsense mediated decay in a gene in which loss-of-function is an established disease mechanism. This alteration results in a termination codon upstream of the most C-terminus pathogenic alteration (ATM p.Arg3047*), as classified by the HBOP VCEP, and is expected to be more deleterious. This variant has been detected in at least 8 individuals with Ataxia-Telangiectasia (PMIDs: 8659541, 9463314, 21665257). The highest population minor allele frequency in gnomAD v4.1.0 is 0.00001357 (16/1178720 alleles) in European (non-Finnish) population (PM2_Supporting, BS1, and BA1 are not met). In summary, this variant meets the criteria to be classified as pathogenic for autosomal dominant ATM-related cancer predisposition and autosomal recessive Ataxia-Telangiectasia based on the ACMG/AMP criteria applied as specified by the HBOP VCEP. (PVS1, PM5_Supporting, PM3_VeryStrong)

Labcorp Genetics (formerly Invitae), Labcorp
Classification: Pathogenic for Ataxia-telangiectasia syndrome. Last evaluated: 2026-01-26. Review status: criteria provided, single submitter. Criteria: Invitae Variant Classification Sherloc (09022015). Collection method: clinical testing. Allele origin: germline. Not counted in ClinVar's aggregate classification.
Comment: This sequence change creates a premature translational stop signal (p.Arg2136*) in the ATM gene. It is expected to result in an absent or disrupted protein product. Loss-of-function variants in ATM are known to be pathogenic (PMID: 23807571, 25614872). This variant is present in population databases (rs587782554, gnomAD 0.004%). This premature translational stop signal has been observed in individual(s) with breast cancer and ataxia-telangiectasia (PMID: 8659541, 9463314, 21792198, 25428789). This variant is also known as 6404insTT. ClinVar contains an entry for this variant (Variation ID: 220763). RNA analysis performed to evaluate the impact of this premature translational stop signal on mRNA splicing indicates it does not significantly alter splicing (internal data). For these reasons, this variant has been classified as Pathogenic.

Color Diagnostics, LLC DBA Color Health
Classification: Pathogenic for Hereditary cancer-predisposing syndrome. Last evaluated: 2025-08-08. Review status: criteria provided, single submitter. Criteria: ACMG Guidelines, 2015. Collection method: clinical testing. Allele origin: germline. Not counted in ClinVar's aggregate classification.
Comment: This variant inserts 2 nucleotides in exon 44 of the ATM gene, creating a frameshift and premature translation stop signal. This variant is expected to result in an absent or non-functional protein product. This variant has been identified in an individual with triple-negative breast cancer (PMID: 25428789) and an individual with early onset breast cancer (Color Health internal data). In addition, this variant has been observed in the compound heterozygous state and homozygous state in individuals affected with autosomal recessive Ataxia-Telangiectasia (PMID: 8659541, 9463314, 10330348, 21665257). In a large international case-control study, this variant was reported in 2/60466 breast cancer cases and 1/53461 controls (PMID: 33471991). In a separate case-control study conducted in East Anglia, this variant was reported in 1/13807 breast cancer cases and absent in 5488 controls (PMID: 28779002). This variant has been identified in 2/281068 chromosomes in the general population by the Genome Aggregation Database (gnomAD). Loss of ATM function is a known mechanism of disease. Based on the available evidence, this variant is classified as Pathogenic.

Ambry Genetics
Classification: Pathogenic for Hereditary cancer-predisposing syndrome. Last evaluated: 2024-12-27. Review status: criteria provided, single submitter. Criteria: Ambry Variant Classification Scheme 2023. Collection method: clinical testing. Allele origin: germline. Not counted in ClinVar's aggregate classification.
Comment: The c.6404_6405insTT pathogenic mutation, located in coding exon 43 of the ATM gene, results from an insertion of two nucleotides at position 6404, causing a translational frameshift with a predicted alternate stop codon (p.R2136*). This alteration has been reported in one individual with ataxia-telangiectasia (Telatar M et al. Am. J. Hum. Genet. 1996 Jul;59:40-4). This alteration has also been detected in multiple individuals diagnosed with breast and/or prostate cancer (Churpek JE et al. Breast Cancer Res. Treat. 2015 Jan;149:31-9; Decker B et al. J. Med. Genet. 2017 Nov;54:732-741; Karlsson Q et al. Eur Urol Oncol, 2021 Aug;4:570-579). This variant is considered to be rare based on population cohorts in the Genome Aggregation Database (gnomAD). In addition to the clinical data presented in the literature, this alteration is expected to result in loss of function by premature protein truncation or nonsense-mediated mRNA decay. As such, this alteration is interpreted as a disease-causing mutation.

Natera, Inc.
Classification: Pathogenic for Ataxia-telangiectasia. Last evaluated: 2024-11-06. Review status: criteria provided, single submitter. Criteria: Natera Variant Classification Schema (03/2026). Collection method: clinical testing. Allele origin: germline. Not counted in ClinVar's aggregate classification.
Comment: The c.6404_6405insTT variant in ATM is a frameshift variant predicted to shift the reading frame and introduce a stop codon. This variant is expected to result in nonsense mediated decay, truncation, or a dysfunctional protein product. This variant is rare in the general population with a frequency below the threshold expected for the associated phenotype(s). This variant has been observed in one or more individuals affected with the associated recessive disease, as either homozygous or compound heterozygous with a second variant (PMID: 21665257, 26896183, 9463314). Given the available evidence, this variant is classified as Pathogenic.

Baylor Genetics
Classification: Pathogenic for Familial cancer of breast. Last evaluated: 2024-02-28. Review status: criteria provided, single submitter. Criteria: ACMG Guidelines, 2015. Collection method: clinical testing. Allele origin: unknown. Not counted in ClinVar's aggregate classification.

Myriad Genetics, Inc.
Classification: Pathogenic for Familial cancer of breast. Last evaluated: 2024-01-29. Review status: criteria provided, single submitter. Criteria: Myriad Autosomal Dominant, Autosomal Recessive and X-Linked Classification Criteria (2023). Collection method: clinical testing. Allele origin: unknown. Not counted in ClinVar's aggregate classification.
Comment: This variant is considered pathogenic. This variant creates a termination codon and is predicted to result in premature protein truncation.

Fulgent Genetics
Classification: Pathogenic for Familial cancer of breast; Ataxia-telangiectasia syndrome. Last evaluated: 2023-12-26. Review status: criteria provided, single submitter. Criteria: ACMG Guidelines, 2015. Collection method: clinical testing. Allele origin: germline. Not counted in ClinVar's aggregate classification.

GeneDx
Classification: Pathogenic. Last evaluated: 2023-06-28. Review status: criteria provided, single submitter. Criteria: GeneDx Variant Classification Process June 2021. Collection method: clinical testing. Allele origin: germline. Affected: yes. Not counted in ClinVar's aggregate classification.
Comment: Nonsense variant predicted to result in protein truncation or nonsense mediated decay in a gene for which loss-of-function is a known mechanism of disease; Not observed at significant frequency in large population cohorts (gnomAD); Truncating variants in this gene are considered pathogenic by a well-established clinical consortium and/or database; This variant is associated with the following publications: (PMID: 27693457, 29753700, 29922827, 8659541, 25428789, 26786923, 21792198, 9463314, 28779002, 25614872, 23807571, 21665257, 26896183, 33436325, 35626031, 34507142)

Greenwood Genetic Center Diagnostic Laboratories, Greenwood Genetic Center
Classification: Likely pathogenic for Familial cancer of breast. Last evaluated: 2022-05-26. Review status: criteria provided, single submitter. Criteria: ACMG Guidelines, 2015. Collection method: clinical testing. Allele origin: germline. Not counted in ClinVar's aggregate classification.
Comment: PVS1, PM2, PM5, PP2, PP3

Institute of Medical Genetics and Applied Genomics, University Hospital Tübingen
Classification: Pathogenic. Last evaluated: 2020-10-23. Review status: criteria provided, single submitter. Criteria: ACMG Guidelines, 2015. Collection method: clinical testing. Allele origin: germline. Inheritance: Autosomal unknown. Affected: yes. Not counted in ClinVar's aggregate classification.

Revvity Omics, Revvity
Classification: Pathogenic for Ataxia-telangiectasia syndrome. Last evaluated: 2019-04-16. Review status: criteria provided, single submitter. Criteria: ACMG Guidelines, 2015. Collection method: clinical testing. Allele origin: germline. Not counted in ClinVar's aggregate classification.

Women's Health and Genetics/Laboratory Corporation of America, LabCorp
Classification: Pathogenic for Ataxia-telangiectasia syndrome. Last evaluated: 2018-09-24. Review status: criteria provided, single submitter. Criteria: LabCorp Variant Classification Summary - May 2015. Collection method: clinical testing. Allele origin: germline. Not counted in ClinVar's aggregate classification.
Comment: Variant summary: ATM c.6404_6405insTT (p.Arg2136X) results in a premature termination codon, predicted to cause a truncation of the encoded protein or absence of the protein due to nonsense mediated decay, which are commonly known mechanisms for disease. The variant allele was found at a frequency of 7.3e-06 in 275474 control chromosomes (gnomAD). The variant, c.6404_6405insTT, has been reported in the literature in multiple individuals affected with Ataxia-Telangiectasia (Micol_2011, Telatar_1996) and breast cancer (Churpek_2015). These data indicate that the variant is very likely to be associated with disease. To our knowledge, no experimental evidence demonstrating an impact on protein function has been reported. Four clinical diagnostic laboratories have submitted clinical-significance assessments for this variant to ClinVar after 2014 without evidence for independent evaluation. All laboratories classified the variant as pathogenic/likely pathogenic. Based on the evidence outlined above, the variant was classified as pathogenic.

GeneReviews
Classification: Pathogenic for Ataxia-telangiectasia syndrome. Last evaluated: 2016-10-27. Review status: no assertion criteria provided. Collection method: literature only. Allele origin: germline. Affected: yes. Not counted in ClinVar's aggregate classification.

Counsyl
Classification: Likely pathogenic for Ataxia-telangiectasia syndrome. Last evaluated: 2016-08-24. Review status: no assertion criteria provided. Collection method: clinical testing. Allele origin: unknown. Not counted in ClinVar's aggregate classification.

Literature cited by the submitters: PubMed 23807571 (cited by Labcorp Genetics (formerly Invitae), Labcorp); PubMed 25614872 (cited by Labcorp Genetics (formerly Invitae), Labcorp); PubMed 8659541 (cited by 5 submitters); PubMed 9463314 (cited by 4 submitters); PubMed 21792198 (cited by Labcorp Genetics (formerly Invitae), Labcorp and Counsyl); PubMed 25428789 (cited by 4 submitters); PubMed 10330348 (cited by Color Diagnostics, LLC DBA Color Health); PubMed 21665257 (cited by 3 submitters); PubMed 28779002 (cited by Color Diagnostics, LLC DBA Color Health and Ambry Genetics); PubMed 33471991 (cited by Color Diagnostics, LLC DBA Color Health); PubMed 29753700 (cited by Ambry Genetics); PubMed 33436325 (cited by Ambry Genetics); PubMed 26896183 (cited by Natera, Inc.).

NM_000051.4(ATM):c.6404_6405insTT (p.Leu2135_Arg2136insTer)

Genes: ATM (ATM serine/threonine kinase; plus strand), C11orf65 (chromosome 11 open reading frame 65; minus strand). Cytogenetic location: 11q22.3.
Variant type: Insertion.
Coding change: c.6404_6405insTT on transcript NM_000051.4 (MANE Select); coding-DNA positions 6404 to 6405, TT inserted.
Protein change: p.Leu2135_Arg2136insTer.
Molecular consequence: frameshift variant. On other transcripts: intron variant (2).
Genome position: GRCh38 VCF-style: chr11-108320009-C-CTT. GRCh37 (hg19) VCF-style: chr11-108190736-C-CTT.
Other names: NM_000051.4(ATM):c.6404_6405insTT; p.Leu2135_Arg2136insTer; c.6404_6405insTT, p.Leu2135_Arg2136insTer (NM_001351834.2); c.641-10939_641-10938insAA (NM_001330368.2); c.*39-10939_*39-10938insAA (NM_001351110.2).
Identifiers: ClinVar variation 220763 (VCV000220763.39), dbSNP rs587782554, ClinGen allele CA350459.